The following is an entry in ClinVar:

NM_021939.4(FKBP10):c.537C>T (p.Tyr179=)

Gene: FKBP10 (FKBP prolyl isomerase 10; plus strand). Cytogenetic location: 17q21.2.
Variant type: single nucleotide variant.
Coding change: c.537C>T on transcript NM_021939.4 (MANE Select); coding-DNA position 537, C replaced by T.
Protein change: p.Tyr179=; no amino-acid change (tyrosine 179 retained).
Molecular consequence: synonymous variant.
Genome position (GRCh38, 1-based): chr17:41,818,234, C>T. VCF-style: chr17-41818234-C-T. GRCh37 (hg19) VCF-style: chr17-39974486-C-T.
Identifiers: ClinVar variation 514256 (VCV000514256.4), dbSNP rs1555616383, ClinGen allele CA500208667.

ClinVar aggregate classification (germline): Likely benign. Review status: criteria provided, multiple submitters, no conflicts (2 of 4 stars). 2 submissions from 2 submitters: Likely benign (2). Last evaluated 2024-06-21.

Allele frequency attached by ClinVar (database versions not stated): gnomAD exomes below 0.00001; TOPMed below 0.00001.
gnomAD v4.1: 8 of 1,613,624 alleles (0.0005%); highest among the groups gnomAD compares: East Asian, 0.0022%; no homozygotes.

Submissions (2):

Labcorp Genetics (formerly Invitae), Labcorp
Classification: Likely benign. Last evaluated: 2024-06-21. Review status: criteria provided, single submitter. Criteria: Invitae Variant Classification Sherloc (09022015). Collection method: clinical testing. Allele origin: germline.

GeneDx
Classification: Likely benign. Last evaluated: 2017-12-22. Review status: criteria provided, single submitter. Criteria: GeneDx Variant Classification (06012015). Collection method: clinical testing. Allele origin: germline. Affected: yes.
Comment: This variant is considered likely benign or benign based on one or more of the following criteria: it is a conservative change, it occurs at a poorly conserved position in the protein, it is predicted to be benign by multiple in silico algorithms, and/or has population frequency not consistent with disease.